The following is an entry in ClinVar:

NM_000548.5(TSC2):c.2676C>A (p.Val892=)

Gene: TSC2 (TSC complex subunit 2; plus strand). Cytogenetic location: 16p13.3.
Variant type: single nucleotide variant.
Coding change: c.2676C>A on transcript NM_000548.5 (MANE Select); coding-DNA position 2676, C replaced by A.
Protein change: p.Val892=; no amino-acid change (valine 892 retained).
Molecular consequence: synonymous variant. On other transcripts: non-coding transcript variant (5).
Genome position (GRCh38, 1-based): chr16:2,076,104, C>A. VCF-style: chr16-2076104-C-A. GRCh37 (hg19) VCF-style: chr16-2126105-C-A.
Other names: c.2676C>A, p.Val892= (NM_001077183.3, NM_001114382.3, NM_001363528.2 and 6 more transcripts); c.2565C>A, p.Val855= (NM_001318827.2, NM_001406670.1, NM_001406678.1); c.2529C>A, p.Val843= (NM_001318829.2, NM_001406675.1, NM_001406676.1 and 1 more transcripts); c.2076C>A, p.Val692= (NM_001318831.2, NM_001406680.1, NM_001406682.1 and 6 more transcripts); c.2709C>A, p.Val903= (NM_001318832.2); c.2766C>A, p.Val922= (NM_001406667.1, NM_001406668.1); c.2664C>A, p.Val888= (NM_001406671.1, NM_001406673.1); c.2619C>A, p.Val873= (NM_001406677.1); and 3 more.
Identifiers: ClinVar variation 2825188 (VCV002825188.4), dbSNP rs2089318045, ClinGen allele CA492953653.

ClinVar aggregate classification (germline): Uncertain significance. Review status: criteria provided, multiple submitters, no conflicts (2 of 4 stars). 2 submissions from 2 submitters: Uncertain significance (2). Last evaluated 2025-09-11.

Conditions:
Tuberous sclerosis 2 (TSC2). Identifiers: Orphanet 805, MedGen C1860707, MONDO:0013199, OMIM 613254.
Tuberous sclerosis syndrome (TSC). Also called: Tuberous Sclerosis Complex; Tuberous sclerosis. Identifiers: Orphanet 805, MedGen C0041341, MONDO:0001734.

Allele frequency attached by ClinVar (database versions not stated): TOPMed below 0.00001.

Submissions (2):

Color Diagnostics, LLC DBA Color Health
Classification: Uncertain significance for Tuberous sclerosis syndrome. Last evaluated: 2025-09-11. Review status: criteria provided, single submitter. Criteria: ACMG Guidelines, 2015. Collection method: clinical testing. Allele origin: germline.
Comment: This variant is located in the TSC2 protein. To our knowledge, functional studies have not been reported for this variant. This variant has not been reported in individuals affected with TSC2-related disorders in the literature. This variant has not been identified in the general population by the Genome Aggregation Database (gnomAD). The available evidence is insufficient to determine the role of this variant in disease conclusively. Therefore, this variant is classified as a Variant of Uncertain Significance.

Labcorp Genetics (formerly Invitae), Labcorp
Classification: Uncertain significance for Tuberous sclerosis 2. Last evaluated: 2023-10-07. Review status: criteria provided, single submitter. Criteria: Invitae Variant Classification Sherloc (09022015). Collection method: clinical testing. Allele origin: germline.
Comment: This sequence change affects codon 892 of the TSC2 mRNA. It is a 'silent' change, meaning that it does not change the encoded amino acid sequence of the TSC2 protein. This variant is not present in population databases (gnomAD no frequency). This variant has not been reported in the literature in individuals affected with TSC2-related conditions. Algorithms developed to predict the effect of sequence changes on RNA splicing suggest that this variant may disrupt the consensus splice site. In summary, the available evidence is currently insufficient to determine the role of this variant in disease. Therefore, it has been classified as a Variant of Uncertain Significance.